The following is an entry in ClinVar:

ClinVar aggregate classification (germline): Pathogenic (1 of 4 stars; one submission).

Conditions:
ALG1-congenital disorder of glycosylation. Also called: CONGENITAL DISORDER OF GLYCOSYLATION, TYPE Ik; CDG Ik; ALG1-CDG. Identifiers: Orphanet 79327, MedGen C2931005, MONDO:0012052, OMIM 608540.

Submission:

Labcorp Genetics (formerly Invitae), Labcorp
Classification: Pathogenic for ALG1-congenital disorder of glycosylation. Last evaluated: 2023-09-12. Review status: criteria provided, single submitter. Criteria: Invitae Variant Classification Sherloc (09022015). Collection method: clinical testing. Allele origin: unknown.
Comment: This variant is a gross deletion of the genomic region encompassing exon(s) 5-13 of the ALG1 gene, which includes the termination codon. This deletion extends beyond the assayed region for this gene and therefore may encompass additional genes. While this deletion is not anticipated to lead to nonsense mediated decay, it is expected to alter mRNA translation or result in a truncated protein product. This variant has not been reported in the literature in individuals affected with ALG1-related conditions. For these reasons, this variant has been classified as Pathogenic. This variant disrupts a region of the ALG1 protein in which other variant(s) (p.Ser258Leu) have been determined to be pathogenic (PMID: 14709599, 14973778, 14973782, 20679665, 22966035, 26931382, 27172925, 27325525, 28554332). This suggests that this is a clinically significant region of the protein, and that variants that disrupt it are likely to be disease-causing.

Literature cited by the submitters: PubMed 14709599; PubMed 14973778; PubMed 14973782; PubMed 20679665; PubMed 22966035; PubMed 26931382; PubMed 27172925; PubMed 27325525; PubMed 28554332.

NC_000016.9:g.(?_5127426)_(5134882_?)del

Genes: ALG1 (ALG1 chitobiosyldiphosphodolichol beta-mannosyltransferase; plus strand), EEF2KMT (eukaryotic elongation factor 2 lysine methyltransferase; minus strand). Cytogenetic location: 16p13.3.
Variant type: Deletion.
Identifiers: ClinVar variation 3243499 (VCV003243499.1).